The following is an entry in ClinVar:

NM_182925.5(FLT4):c.3262G>A (p.Asp1088Asn)

Gene: FLT4 (fms related receptor tyrosine kinase 4; minus strand). Cytogenetic location: 5q35.3.
Variant type: single nucleotide variant.
Coding change: c.3262G>A on transcript NM_182925.5 (MANE Select); coding-DNA position 3262, G replaced by A.
Protein change: p.Asp1088Asn; replaces aspartic acid 1088 with asparagine.
Molecular consequence: missense variant.
Genome position (GRCh38, 1-based): chr5:180,614,137, C>T on the plus strand (G>A on the coding strand, the complement: FLT4 is on the minus strand). VCF-style: chr5-180614137-C-T. GRCh37 (hg19) VCF-style: chr5-180041137-C-T.
Other names: c.3262G>A, p.Asp1088Asn (NM_001354989.2, NM_002020.5); short protein forms D1088N.
Identifiers: ClinVar variation 1309907 (VCV001309907.2), dbSNP rs1376446971, ClinGen allele CA362500268.

ClinVar aggregate classification (germline): Uncertain significance (1 of 4 stars; one submission).

Allele frequency attached by ClinVar (database versions not stated): gnomAD exomes 0.00001; TOPMed 0.00001; gnomAD 0.00001.
gnomAD v4.1: 11 of 1,613,974 alleles (0.00068%); highest among the groups gnomAD compares: Non-Finnish European, 0.00093%; no homozygotes.

Submission:

GeneDx
Classification: Uncertain significance. Last evaluated: 2021-02-05. Review status: criteria provided, single submitter. Criteria: GeneDx Variant Classification Process June 2021. Collection method: clinical testing. Allele origin: germline. Affected: yes.
Comment: Has not been previously published as pathogenic or benign to our knowledge; Not observed in large population cohorts (Lek et al., 2016); In silico analysis, which includes protein predictors and evolutionary conservation, supports a deleterious effect